The following is an entry in ClinVar:

NM_001198.4(PRDM1):c.1141T>C (p.Tyr381His)

Gene: PRDM1 (PR/SET domain 1; plus strand). Cytogenetic location: 6q21.
Variant type: single nucleotide variant.
Coding change: c.1141T>C on transcript NM_001198.4 (MANE Select); coding-DNA position 1141, T replaced by C.
Protein change: p.Tyr381His; replaces tyrosine 381 with histidine.
Molecular consequence: missense variant.
Genome position (GRCh38, 1-based): chr6:106,105,301, T>C. VCF-style: chr6-106105301-T-C. GRCh37 (hg19) VCF-style: chr6-106553176-T-C.
Other names: c.739T>C, p.Tyr247His (NM_182907.3); short protein forms Y381H, Y247H.
Identifiers: ClinVar variation 135088 (VCV000135088.1), dbSNP rs78927371, ClinGen allele CA161642.

ClinVar aggregate classification (germline): not provided (0 of 4 stars; one submission).

Allele frequency attached by ClinVar (database versions not stated): gnomAD exomes 0.00047 and 0.00128; ExAC 0.00167; 1000 Genomes Project 30x 0.00375; 1000 Genomes Project 0.00399; gnomAD 0.00526 and 0.00573; ESP Exome Variant Server 0.00607; TOPMed 0.00618.
gnomAD v4.1: 1,519 of 1,613,546 alleles (0.094%); highest among the groups gnomAD compares: African/African-American, 1.8%; 15 homozygotes.

Submission:

ITMI
No classification provided. Condition: AllHighlyPenetrant. Last evaluated: 2013-09-19. Review status: no classification provided. Collection method: reference population. Allele origin: germline.
Comment: Please see associated publication for description of ethnicities

Literature cited by the submitters: PubMed 24728327.